The following is an entry in ClinVar:

NM_002485.5(NBN):c.1398-7A>G

Gene: NBN (nibrin; minus strand). Cytogenetic location: 8q21.3.
Variant type: single nucleotide variant.
Coding change: c.1398-7A>G on transcript NM_002485.5 (MANE Select); 7 bases into the intron before coding-DNA position 1398, A replaced by G.
Molecular consequence: intron variant.
Genome position (GRCh38, 1-based): chr8:89,953,698, T>C on the plus strand (A>G on the coding strand, the complement: NBN is on the minus strand). VCF-style: chr8-89953698-T-C. GRCh37 (hg19) VCF-style: chr8-90965926-T-C.
Other names: c.1152-7A>G (NM_001024688.3).
Identifiers: ClinVar variation 566940 (VCV000566940.8), dbSNP rs1563527772, ClinGen allele CA891842842.

ClinVar aggregate classification (germline): Uncertain significance (1 of 4 stars; one submission).

Conditions:
Microcephaly, normal intelligence and immunodeficiency (NBS). Also called: Nijmegen breakage syndrome; Immunodeficiency, microcephaly with normal intelligence; SEEMANOVA SYNDROME II; Microcephaly with normal intelligence immunodeficiency and lymphoreticular malignancies; Nonsyndromal microcephaly autosomal recessive with normal intelligence; Seemanova syndrome 2. Identifiers: Orphanet 647, MedGen C0398791, MONDO:0009623, OMIM 251260.

Submission:

Labcorp Genetics (formerly Invitae), Labcorp
Classification: Uncertain significance for Microcephaly, normal intelligence and immunodeficiency. Last evaluated: 2018-05-17. Review status: criteria provided, single submitter. Criteria: Invitae Variant Classification Sherloc (09022015). Collection method: clinical testing. Allele origin: germline.
Comment: This variant is not present in population databases (ExAC no frequency). This sequence change falls in intron 10 of the NBN gene. It does not directly change the encoded amino acid sequence of the NBN protein. In summary, the available evidence is currently insufficient to determine the role of this variant in disease. Therefore, it has been classified as a Variant of Uncertain Significance. Algorithms developed to predict the effect of sequence changes on RNA splicing suggest that this variant may disrupt the consensus splice site, but this prediction has not been confirmed by published transcriptional studies. This variant has not been reported in the literature in individuals with NBN-related disease.